The following is an entry in ClinVar:

NM_001018115.3(FANCD2):c.2135G>A (p.Gly712Glu)

Genes: FANCD2 (FA complementation group D2; plus strand), LOC107303338 (3p25 FANCD2 Alu-mediated recombination region; plus strand). Cytogenetic location: 3p25.3.
Variant type: single nucleotide variant.
Coding change: c.2135G>A on transcript NM_001018115.3 (MANE Select); coding-DNA position 2135, G replaced by A.
Protein change: p.Gly712Glu; replaces glycine 712 with glutamic acid.
Molecular consequence: missense variant.
Genome position (GRCh38, 1-based): chr3:10,064,842, G>A. VCF-style: chr3-10064842-G-A. GRCh37 (hg19) VCF-style: chr3-10106526-G-A.
Other names: c.2135G>A, p.Gly712Glu (NM_001319984.2, NM_001374254.1, NM_033084.6); c.2024G>A, p.Gly675Glu (NM_001374253.1); short protein forms G675E, G712E.
Identifiers: ClinVar variation 2971383 (VCV002971383.3), dbSNP rs746795320, ClinGen allele CA70014446.
Genomic context (GRCh38, chr3:10,064,842, plus strand): 5'-AGGATGGGATTGCCATAAACCTCCTGCCGCTGCTGTTTTCTCAGGACTTTGCAAAAGATG[G>A]GGGTCCGGTGACCTCACAGGAATCAGGCCAAAAGTCAGTATAGTTTTTCTTTTCTAAACC-3'
Protein context (NP_001018125.1, residues 702-722): LLFSQDFAKD[Gly712Glu]GPVTSQESGQ

ClinVar aggregate classification (germline): Uncertain significance (1 of 4 stars; one submission).

Conditions:
Fanconi anemia (FA). Also called: Fanconi's anemia. Identifiers: Orphanet 84, MedGen C0015625, MeSH D005199, MONDO:0019391.

Allele frequency attached by ClinVar (database versions not stated): gnomAD exomes 0.00007.

Submission:

Labcorp Genetics (formerly Invitae), Labcorp
Classification: Uncertain significance for Fanconi anemia. Last evaluated: 2023-10-22. Review status: criteria provided, single submitter. Criteria: Invitae Variant Classification Sherloc (09022015). Collection method: clinical testing. Allele origin: germline.
Comment: This sequence change replaces glycine, which is neutral and non-polar, with glutamic acid, which is acidic and polar, at codon 712 of the FANCD2 protein (p.Gly712Glu). This variant is not present in population databases (gnomAD no frequency). This variant has not been reported in the literature in individuals affected with FANCD2-related conditions. Algorithms developed to predict the effect of missense changes on protein structure and function output the following: SIFT: "Not Available"; PolyPhen-2: "Benign"; Align-GVGD: "Not Available". The glutamic acid amino acid residue is found in multiple mammalian species, which suggests that this missense change does not adversely affect protein function. In summary, the available evidence is currently insufficient to determine the role of this variant in disease. Therefore, it has been classified as a Variant of Uncertain Significance.